The following is an entry in ClinVar:

NM_006031.6(PCNT):c.74_75del (p.Arg25fs)

Genes: PCNT (pericentrin; plus strand), LOC128092249 (uncharacterized LOC128092249; plus strand). Cytogenetic location: 21q22.3.
Variant type: Microsatellite.
Coding change: c.74_75del on transcript NM_006031.6 (MANE Select); coding-DNA positions 74 to 75, 2 bases deleted (GA; older notation c.74_75delGA).
Protein change: p.Arg25fs; shifts the reading frame from arginine 25.
Molecular consequence: frameshift variant. On other transcripts: 5 prime UTR variant (1).
Genome position (GRCh38, 1-based): chr21:46,326,396-46,326,397, GA deleted; deleting any 2 consecutive bases within chr21:46,326,393-46,326,397 gives the same sequence; the c. name uses the placement nearest the transcript's 3' end. VCF-style (leftmost placement, unchanged base first): chr21-46326392-CAG-C. GRCh37 (hg19) VCF-style: chr21-47746306-CAG-C.
Other names: c.109_110del, p.Glu37fs (NM_001414902.1); c.-283GA[1] (NM_001315529.2); short protein forms R25fs, E37fs.
Identifiers: ClinVar variation 3702047 (VCV003702047.2).

ClinVar aggregate classification (germline): Pathogenic (1 of 4 stars; one submission).

Submission:

Labcorp Genetics (formerly Invitae), Labcorp
Classification: Pathogenic. Last evaluated: 2024-06-20. Review status: criteria provided, single submitter. Criteria: Invitae Variant Classification Sherloc (09022015). Collection method: clinical testing. Allele origin: germline.
Comment: This sequence change creates a premature translational stop signal (p.Arg25Lysfs*5) in the PCNT gene. It is expected to result in an absent or disrupted protein product. Loss-of-function variants in PCNT are known to be pathogenic (PMID: 18174396, 22821869). This variant is present in population databases (rs751522596, gnomAD 0.003%). This variant has not been reported in the literature in individuals affected with PCNT-related conditions. For these reasons, this variant has been classified as Pathogenic.

Literature cited by the submitters: PubMed 18174396; PubMed 22821869.